The following is an entry in ClinVar:

ClinVar aggregate classification (germline): Uncertain significance (1 of 4 stars; one submission).

Submission:

Labcorp Genetics (formerly Invitae), Labcorp
Classification: Uncertain significance. Last evaluated: 2021-11-05. Review status: criteria provided, single submitter. Criteria: Invitae Variant Classification Sherloc (09022015). Collection method: clinical testing. Allele origin: germline.
Comment: In summary, the available evidence is currently insufficient to determine the role of this variant in disease. Therefore, it has been classified as a Variant of Uncertain Significance. Advanced modeling of protein sequence and biophysical properties (such as structural, functional, and spatial information, amino acid conservation, physicochemical variation, residue mobility, and thermodynamic stability) performed at Invitae indicates that this missense variant is expected to disrupt FH protein function. This variant has not been reported in the literature in individuals affected with FH-related conditions. This variant is not present in population databases (gnomAD no frequency). This sequence change replaces isoleucine, which is neutral and non-polar, with threonine, which is neutral and polar, at codon 157 of the FH protein (p.Ile157Thr).

NM_000143.4(FH):c.470T>C (p.Ile157Thr)

Gene: FH (fumarate hydratase; minus strand). Cytogenetic location: 1q43.
Variant type: single nucleotide variant.
Coding change: c.470T>C on transcript NM_000143.4 (MANE Select); coding-DNA position 470, T replaced by C.
Protein change: p.Ile157Thr; replaces isoleucine 157 with threonine.
Molecular consequence: missense variant.
Genome position (GRCh38, 1-based): chr1:241,512,052, A>G on the plus strand (T>C on the coding strand, the complement: FH is on the minus strand). VCF-style: chr1-241512052-A-G. GRCh37 (hg19) VCF-style: chr1-241675352-A-G.
Other names: short protein forms I157T.
Identifiers: ClinVar variation 1510350 (VCV001510350.6), dbSNP rs2147921876, ClinGen allele CA345440032.
Genomic context (GRCh38, chr1:241,512,052, plus strand): 5'-GGATGCACAGGTATCTTGCTGCCAAGTTCACCTCCTAACATTTCAATTGCTCTATTGCTA[A>G]TGACTTCATTTACATTCATATTTGTCTGAGTTCCTGATCCAGTCTGCCATACCACGAGAG-3'
Protein context (NP_000134.2, residues 147-167): TQTNMNVNEV[Ile157Thr]SNRAIEMLGG